The following is an entry in ClinVar:

NM_138927.4(SON):c.387T>A (p.Tyr129Ter)

Gene: SON (SON DNA and RNA binding protein; plus strand). Cytogenetic location: 21q22.11.
Variant type: single nucleotide variant.
Coding change: c.387T>A on transcript NM_138927.4 (MANE Select); coding-DNA position 387, T replaced by A.
Protein change: p.Tyr129Ter; replaces tyrosine 129 with a stop codon.
Molecular consequence: nonsense. On other transcripts: non-coding transcript variant (1), intron variant (1).
Genome position (GRCh38, 1-based): chr21:33,549,618, T>A. VCF-style: chr21-33549618-T-A. GRCh37 (hg19) VCF-style: chr21-34921924-T-A.
Other names: c.387T>A, p.Tyr129Ter (NM_001291411.2, NM_032195.3); c.244+3239T>A (NM_001291412.3); short protein forms Y129*.
Identifiers: ClinVar variation 3728034 (VCV003728034.2).

ClinVar aggregate classification (germline): Pathogenic (1 of 4 stars; one submission).

Submission:

Labcorp Genetics (formerly Invitae), Labcorp
Classification: Pathogenic. Last evaluated: 2024-12-24. Review status: criteria provided, single submitter. Criteria: Invitae Variant Classification Sherloc (09022015). Collection method: clinical testing. Allele origin: germline.
Comment: This sequence change creates a premature translational stop signal (p.Tyr129*) in the SON gene. It is expected to result in an absent or disrupted protein product. Loss-of-function variants in SON are known to be pathogenic (PMID: 27545676, 27545680). This variant is not present in population databases (gnomAD no frequency). This variant has not been reported in the literature in individuals affected with SON-related conditions. For these reasons, this variant has been classified as Pathogenic.

Literature cited by the submitters: PubMed 27545676; PubMed 27545680.